The following is an entry in ClinVar:

ClinVar aggregate classification (germline): Uncertain significance (1 of 4 stars; one submission).

Conditions:
Inborn genetic diseases. Identifiers: MedGen C0950123, MeSH D030342.

Submission:

Ambry Genetics
Classification: Uncertain significance for Inborn genetic diseases. Last evaluated: 2022-12-01. Review status: criteria provided, single submitter. Criteria: Ambry Variant Classification Scheme 2023. Collection method: clinical testing. Allele origin: germline.
Comment: The p.E1664Q variant (also known as c.4990G>C), located in coding exon 28 of the ATR gene, results from a G to C substitution at nucleotide position 4990. The glutamic acid at codon 1664 is replaced by glutamine, an amino acid with highly similar properties. This amino acid position is conserved. In addition, this alteration is predicted to be tolerated by in silico analysis. Since supporting evidence is limited at this time, the clinical significance of this alteration remains unclear.

NM_001184.4(ATR):c.4990G>C (p.Glu1664Gln)

Gene: ATR (ATR checkpoint kinase; minus strand). Cytogenetic location: 3q23.
Variant type: single nucleotide variant.
Coding change: c.4990G>C on transcript NM_001184.4 (MANE Select); coding-DNA position 4990, G replaced by C.
Protein change: p.Glu1664Gln; replaces glutamic acid 1664 with glutamine.
Molecular consequence: missense variant.
Genome position (GRCh38, 1-based): chr3:142,507,972, C>G on the plus strand (G>C on the coding strand, the complement: ATR is on the minus strand). VCF-style: chr3-142507972-C-G. GRCh37 (hg19) VCF-style: chr3-142226814-C-G.
Other names: c.4798G>C, p.Glu1600Gln (NM_001354579.2); short protein forms E1600Q, E1664Q.
Identifiers: ClinVar variation 2453540 (VCV002453540.2), dbSNP rs2473199998, ClinGen allele CA354820491.